The following is an entry in ClinVar:

NM_153240.5(NPHP3):c.3401G>C (p.Cys1134Ser)

Genes: NPHP3 (nephrocystin 3; minus strand), NPHP3-ACAD11 (NPHP3-ACAD11 readthrough (NMD candidate); minus strand). Cytogenetic location: 3q22.1.
Variant type: single nucleotide variant.
Coding change: c.3401G>C on transcript NM_153240.5 (MANE Select); coding-DNA position 3401, G replaced by C.
Protein change: p.Cys1134Ser; replaces cysteine 1134 with serine.
Molecular consequence: missense variant. On other transcripts: non-coding transcript variant (1).
Genome position (GRCh38, 1-based): chr3:132,684,723, C>G on the plus strand (G>C on the coding strand, the complement: NPHP3 is on the minus strand). VCF-style: chr3-132684723-C-G. GRCh37 (hg19) VCF-style: chr3-132403567-C-G.
Other names: short protein forms C1134S.
Identifiers: ClinVar variation 1435986 (VCV001435986.6), dbSNP rs762890381, ClinGen allele CA2621751.
Genomic context (GRCh38, chr3:132,684,723, plus strand): 5'-GCTTTATCATACTGTTTCTTTTCATTGCATAGAGCTGCCAGATTATTCAAAGACTGAGCA[C>G]AGTCAGGGTGATCTGGTCCTAGAACTCGCTCCCTCATTTCTAAGGAACGCTTCAGAAACT-3'
Protein context (NP_694972.3, residues 1124-1144): ERVLGPDHPD[Cys1134Ser]AQSLNNLAAL

ClinVar aggregate classification (germline): Uncertain significance (1 of 4 stars; one submission).

Conditions:
Nephronophthisis. Also called: Juvenile Nephronophthisis. Identifiers: Orphanet 655, MedGen C0687120, MONDO:0019005, HP:0000090.

Allele frequency attached by ClinVar (database versions not stated): gnomAD 0.00001; TOPMed 0.00001; ExAC 0.00002; gnomAD exomes 0.00002 and 0.00003; 1000 Genomes Project 30x 0.00016.
gnomAD v4.1: 14 of 1,614,026 alleles (0.00087%); highest among the groups gnomAD compares: South Asian, 0.013%; no homozygotes.

Submission:

Labcorp Genetics (formerly Invitae), Labcorp
Classification: Uncertain significance for Nephronophthisis. Last evaluated: 2021-09-24. Review status: criteria provided, single submitter. Criteria: Invitae Variant Classification Sherloc (09022015). Collection method: clinical testing. Allele origin: germline.
Comment: In summary, the available evidence is currently insufficient to determine the role of this variant in disease. Therefore, it has been classified as a Variant of Uncertain Significance. Algorithms developed to predict the effect of missense changes on protein structure and function are either unavailable or do not agree on the potential impact of this missense change (SIFT: "Deleterious"; PolyPhen-2: "Probably Damaging"; Align-GVGD: "Class C0"). This variant has not been reported in the literature in individuals affected with NPHP3-related conditions. This variant is present in population databases (rs762890381, ExAC 0.02%). This sequence change replaces cysteine with serine at codon 1134 of the NPHP3 protein (p.Cys1134Ser). The cysteine residue is highly conserved and there is a moderate physicochemical difference between cysteine and serine.